The following is an entry in ClinVar:

NM_004004.6(GJB2):c.279G>C (p.Met93Ile)

Gene: GJB2 (gap junction protein beta 2; minus strand). Cytogenetic location: 13q12.11.
Variant type: single nucleotide variant.
Coding change: c.279G>C on transcript NM_004004.6 (MANE Select); coding-DNA position 279, G replaced by C.
Protein change: p.Met93Ile; replaces methionine 93 with isoleucine.
Molecular consequence: missense variant.
Genome position (GRCh38, 1-based): chr13:20,189,303, C>G on the plus strand (G>C on the coding strand, the complement: GJB2 is on the minus strand). VCF-style: chr13-20189303-C-G. GRCh37 (hg19) VCF-style: chr13-20763442-C-G.
Other names: short protein forms M93I.
Identifiers: ClinVar variation 4536731 (VCV004536731.1).

ClinVar aggregate classification (germline): Likely pathogenic (1 of 4 stars; one submission).

Conditions:
Autosomal recessive nonsyndromic hearing loss 1A (DFNB1A). Also called: Connexin 26 deafness; Deafness nonsyndromic, Connexin 26 linked; GJB6-Related DFNB 1 Nonsyndromic Hearing Loss and Deafness; Deafness, autosomal recessive 1A; GJB2-Related Autosomal Recessive Nonsyndromic Hearing Loss; Nonsyndromic Hearing Loss and Deafness, DFNB1. Identifiers: Orphanet 90636, MedGen C2673759, MONDO:0009076, OMIM 220290.

Submission:

Women's Health and Genetics/Laboratory Corporation of America, LabCorp
Classification: Likely pathogenic for Autosomal recessive nonsyndromic hearing loss 1A. Last evaluated: 2025-11-13. Review status: criteria provided, single submitter. Criteria: LabCorp Variant Classification Summary - May 2015. Collection method: clinical testing. Allele origin: germline.
Comment: Variant summary: GJB2 c.279G>C (p.Met93Ile) results in a conservative amino acid change in the encoded protein sequence. Algorithms developed to predict the effect of missense changes on protein structure and function are either unavailable or do not agree on the potential impact of this missense change. The variant was absent in 251190 control chromosomes. To our knowledge, no occurrence of c.279G>C in individuals affected with GJB2-related conditions and no experimental evidence demonstrating its impact on protein function have been reported. A different variant resulting in the same amino acid consequence has been classified as likely pathogenic/pathogenic by our lab (c.279G>A, p.Met93Ile) in the context of autosomal recessive nonsyndromic deafness, supporting the pathogenicity of this variant. The following publications have been ascertained in the context of this evaluation (PMID: 16380907, 25616557, 25824904, 36472766, 12172394, 18368581, 20739942, 25388846, 10207902, 14985372, 18776652, 25447126, 25555641, 26775130, 15666300, 26928463). No submitters have cited clinical-significance assessments for this variant to ClinVar. To our knowledge, this variant has not been reported in individuals with autosomal dominant GJB2-related conditions. Based on the evidence outlined above, the variant was classified as likely pathogenic for autosomal recessive nonsyndromic deafness.

Literature cited by the submitters: PubMed 16380907; PubMed 14985372; PubMed 12172394; PubMed 15666300; PubMed 25388846; PubMed 26928463; PubMed 25555641; PubMed 18368581; PubMed 36472766; PubMed 25447126; PubMed 26775130; PubMed 18776652; PubMed 10207902; PubMed 20739942; PubMed 25824904; PubMed 25616557.